The following is an entry in ClinVar:

ClinVar aggregate classification (germline): Conflicting classifications of pathogenicity. Review status: criteria provided, conflicting classifications (1 of 4 stars). 2 submissions from 2 submitters: Uncertain significance (1); Likely benign (1). Last evaluated 2022-07-12.

Allele frequency attached by ClinVar (database versions not stated): gnomAD 0.00001 and 0.00002; TOPMed 0.00001; gnomAD exomes 0.00011; ExAC 0.00017.
gnomAD v4.1: 66 of 1,609,414 alleles (0.0041%); highest among the groups gnomAD compares: South Asian, 0.07%; no homozygotes.

Submissions (2):

Labcorp Genetics (formerly Invitae), Labcorp
Classification: Uncertain significance. Last evaluated: 2022-07-12. Review status: criteria provided, single submitter. Criteria: Invitae Variant Classification Sherloc (09022015). Collection method: clinical testing. Allele origin: germline.
Comment: This sequence change replaces proline, which is neutral and non-polar, with leucine, which is neutral and non-polar, at codon 1265 of the PCARE protein (p.Pro1265Leu). This variant is present in population databases (rs753843724, gnomAD 0.08%). This variant has not been reported in the literature in individuals affected with PCARE-related conditions. ClinVar contains an entry for this variant (Variation ID: 1037589). Algorithms developed to predict the effect of missense changes on protein structure and function are either unavailable or do not agree on the potential impact of this missense change (SIFT: "Deleterious"; PolyPhen-2: "Benign"; Align-GVGD: "Class C0"). In summary, the available evidence is currently insufficient to determine the role of this variant in disease. Therefore, it has been classified as a Variant of Uncertain Significance.

Blueprint Genetics
Classification: Likely benign. Last evaluated: 2018-05-09. Review status: criteria provided, single submitter. Criteria: ACMG Guidelines, 2015. Collection method: clinical testing. Allele origin: germline.

NM_001029883.3(PCARE):c.3794C>T (p.Pro1265Leu)

Gene: PCARE (photoreceptor cilium actin regulator; minus strand). Cytogenetic location: 2p23.2.
Variant type: single nucleotide variant.
Coding change: c.3794C>T on transcript NM_001029883.3 (MANE Select); coding-DNA position 3794, C replaced by T.
Protein change: p.Pro1265Leu; replaces proline 1265 with leucine.
Molecular consequence: missense variant.
Genome position (GRCh38, 1-based): chr2:29,064,942, G>A on the plus strand (C>T on the coding strand, the complement: PCARE is on the minus strand). VCF-style: chr2-29064942-G-A. GRCh37 (hg19) VCF-style: chr2-29287808-G-A.
Other names: short protein forms P1265L.
Identifiers: ClinVar variation 1037589 (VCV001037589.7), dbSNP rs753843724, ClinGen allele CA1591829.